The following is an entry in ClinVar:

ClinVar aggregate classification (germline): Uncertain significance. Review status: criteria provided, multiple submitters, no conflicts (2 of 4 stars). 3 submissions from 3 submitters: Uncertain significance (3). Last evaluated 2025-02-05.

Conditions:
Hereditary spastic paraplegia. Also called: Familial spastic paraparesis. Identifiers: Orphanet 685, MedGen C0037773, MONDO:0019064. Disease mechanism: loss of function.

Allele frequency attached by ClinVar (database versions not stated): ESP Exome Variant Server 0.00015; 1000 Genomes Project 0.00020; gnomAD exomes 0.00030 and 0.00040; gnomAD 0.00039; TOPMed 0.00040; 1000 Genomes Project 30x 0.00016; ExAC 0.00021.
gnomAD v4.1: 636 of 1,609,278 alleles (0.04%); highest among the groups gnomAD compares: Admixed American, 0.09%; 1 homozygote.

Submissions (3):

Women's Health and Genetics/Laboratory Corporation of America, LabCorp
Classification: Uncertain significance. Last evaluated: 2025-02-05. Review status: criteria provided, single submitter. Criteria: LabCorp Variant Classification Summary - May 2015. Collection method: clinical testing. Allele origin: germline.
Comment: Variant summary: MARS1 c.-18C>T is located in the untranslated mRNA region upstream of the initiation codon. The variant allele was found at a frequency of 0.00029 in 281306 control chromosomes. This frequency is not significantly higher than estimated for a pathogenic variant in MARS1 causing Severe early-onset pulmonary alveolar proteinosis due to MARS deficiency (0.00029 vs 0.0011), allowing no conclusion about variant significance. To our knowledge, no occurrence of c.-18C>T in individuals affected with Severe early-onset pulmonary alveolar proteinosis due to MARS deficiency and no experimental evidence demonstrating its impact on protein function have been reported. ClinVar contains an entry for this variant (Variation ID: 424681). Based on the evidence outlined above, the variant was classified as uncertain significance.

Unit for Genetic & Epidemiological Research on Neurological Disorders, Instituto de Investigação e Inovação em Saúde
Classification: Uncertain significance for Hereditary spastic paraplegia. Last evaluated: 2017-03-07. Review status: criteria provided, single submitter. Criteria: Morais et al. (Eur J Hum Genet. 2017). Collection method: research. Allele origin: unknown. Affected: yes.

Breakthrough Genomics
Classification: Uncertain significance. Review status: criteria provided, single submitter. Criteria: ACMG Guidelines, 2015. Collection method: not provided. Allele origin: germline. Inheritance: Autosomal recessive inheritance. Affected: yes.

NM_004990.4(MARS1):c.-18C>T

Genes: ARHGAP9 (Rho GTPase activating protein 9; minus strand), MARS1 (methionyl-tRNA synthetase 1; plus strand). Cytogenetic location: 12q13.3.
Variant type: single nucleotide variant.
Coding change: c.-18C>T on transcript NM_004990.4 (MANE Select); 18 bases upstream of the start codon, C replaced by T.
Molecular consequence: 5 prime UTR variant. On other transcripts: intron variant (1).
Genome position (GRCh38, 1-based): chr12:57,488,073, C>T. VCF-style: chr12-57488073-C-T. GRCh37 (hg19) VCF-style: chr12-57881856-C-T.
Other names: c.-204+539G>A (NM_001319850.2).
Identifiers: ClinVar variation 424681 (VCV000424681.5), dbSNP rs201535531, ClinGen allele CA6649990.
Genomic context (GRCh38, chr12:57,488,073, plus strand): 5'-CGGCGTGCCTCGCGGAGGCCGCTGAACTCAGAAGCGGGAGGCCGGTTCCGGTTGCATCAG[C>T]GAGGGATTCACGGCGAAATGAGACTGTTCGTGAGTGATGGCGTCCCGGGTTGCTTGCCGG-3'